The following is an entry in ClinVar:

ClinVar aggregate classification (germline): Likely benign. Review status: criteria provided, multiple submitters, no conflicts (2 of 4 stars). 5 submissions from 5 submitters: Likely benign (5). Last evaluated 2026-05-14.

Conditions:
Cardiovascular phenotype. Identifiers: MedGen CN230736.
SOS1-related disorder. Also called: SOS1-related condition.
RASopathy. Also called: rasopathies; Noonan spectrum disorder. Identifiers: Orphanet 536391, MedGen C5555857, MONDO:0021060.

Allele frequency attached by ClinVar (database versions not stated): gnomAD 0.00001; gnomAD exomes 0.00001; TOPMed 0.00002.
gnomAD v4.1: 11 of 1,613,678 alleles (0.00068%); highest among the groups gnomAD compares: Non-Finnish European, 0.00076%; no homozygotes.

Submissions (5):

PreventionGenetics, part of Exact Sciences
Classification: Likely benign for SOS1-related condition. Last evaluated: 2026-05-14. Review status: criteria provided, single submitter. Criteria: ACMG Guidelines, 2015. Collection method: clinical testing. Allele origin: germline.
Comment: This variant is classified as likely benign based on ACMG/AMP sequence variant interpretation guidelines (Richards et al. 2015 PMID: 25741868, with internal and published modifications).

Labcorp Genetics (formerly Invitae), Labcorp
Classification: Likely benign for RASopathy. Last evaluated: 2025-08-16. Review status: criteria provided, single submitter. Criteria: Invitae Variant Classification Sherloc (09022015). Collection method: clinical testing. Allele origin: germline.

Ambry Genetics
Classification: Likely benign for Cardiovascular phenotype. Last evaluated: 2025-04-10. Review status: criteria provided, single submitter. Criteria: Ambry Variant Classification Scheme 2023. Collection method: clinical testing. Allele origin: germline.

Women's Health and Genetics/Laboratory Corporation of America, LabCorp
Classification: Likely benign. Last evaluated: 2024-12-11. Review status: criteria provided, single submitter. Criteria: LabCorp Variant Classification Summary - May 2015. Collection method: clinical testing. Allele origin: germline.
Comment: Variant summary: SOS1 c.834A>G results in a synonymous change. Consensus agreement among computation tools predict no significant impact on normal splicing (TrAP). However, these predictions have yet to be confirmed by functional studies. The variant was absent in 251348 control chromosomes. The available data on variant occurrences in the general population are insufficient to allow any conclusion about variant significance. To our knowledge, no occurrence of c.834A>G in individuals affected with Noonan Syndrome And Related Conditions and no experimental evidence demonstrating its impact on protein function have been reported. ClinVar contains an entry for this variant (Variation ID: 1187779). Based on the evidence outlined above, the variant was classified as likely benign.

GeneDx
Classification: Likely benign. Last evaluated: 2019-05-21. Review status: criteria provided, single submitter. Criteria: GeneDx Variant Classification Process June 2021. Collection method: clinical testing. Allele origin: germline. Affected: yes.
Comment: This variant is associated with the following publications: (PMID: 29907801, 30050098)

NM_005633.4(SOS1):c.834A>G (p.Leu278=)

Gene: SOS1 (SOS Ras/Rac guanine nucleotide exchange factor 1; minus strand). Cytogenetic location: 2p22.1.
Variant type: single nucleotide variant.
Coding change: c.834A>G on transcript NM_005633.4 (MANE Select); coding-DNA position 834, A replaced by G.
Protein change: p.Leu278=; no amino-acid change (leucine 278 retained).
Molecular consequence: synonymous variant.
Genome position (GRCh38, 1-based): chr2:39,051,174, T>C on the plus strand (A>G on the coding strand, the complement: SOS1 is on the minus strand). VCF-style: chr2-39051174-T-C. GRCh37 (hg19) VCF-style: chr2-39278315-T-C.
Other names: c.813A>G, p.Leu271= (NM_001382394.1); c.834A>G, p.Leu278= (NM_001382395.1).
Identifiers: ClinVar variation 1187779 (VCV001187779.15), dbSNP rs1301517846, ClinGen allele CA425732518.